The following is an entry in ClinVar:

ClinVar aggregate classification (germline): Uncertain significance (1 of 4 stars; one submission).

Conditions:
Microcephaly, normal intelligence and immunodeficiency (NBS). Also called: Immunodeficiency, microcephaly with normal intelligence; Ataxia telangiectasia variant V1; Microcephaly with normal intelligence immunodeficiency and lymphoreticular malignancies; Nonsyndromal microcephaly autosomal recessive with normal intelligence; Seemanova syndrome 2; BERLIN BREAKAGE SYNDROME. Identifiers: Orphanet 647, MedGen C0398791, MONDO:0009623, OMIM 251260.

Submission:

Labcorp Genetics (formerly Invitae), Labcorp
Classification: Uncertain significance for Microcephaly, normal intelligence and immunodeficiency. Last evaluated: 2022-12-29. Review status: criteria provided, single submitter. Criteria: Invitae Variant Classification Sherloc (09022015). Collection method: clinical testing. Allele origin: germline.
Comment: This sequence change falls in intron 1 of the NBN gene. It does not directly change the encoded amino acid sequence of the NBN protein. This variant is not present in population databases (gnomAD no frequency). This variant has not been reported in the literature in individuals affected with NBN-related conditions. Algorithms developed to predict the effect of sequence changes on RNA splicing suggest that this variant may disrupt the consensus splice site. In summary, the available evidence is currently insufficient to determine the role of this variant in disease. Therefore, it has been classified as a Variant of Uncertain Significance.

NM_002485.5(NBN):c.38-10T>G

Gene: NBN (nibrin; minus strand). Cytogenetic location: 8q21.3.
Variant type: single nucleotide variant.
Coding change: c.38-10T>G on transcript NM_002485.5 (MANE Select); 10 bases into the intron before coding-DNA position 38, T replaced by G.
Molecular consequence: intron variant.
Genome position (GRCh38, 1-based): chr8:89,982,865, A>C on the plus strand (T>G on the coding strand, the complement: NBN is on the minus strand). VCF-style: chr8-89982865-A-C. GRCh37 (hg19) VCF-style: chr8-90995093-A-C.
Other names: c.-259-10T>G (NM_001024688.3).
Identifiers: ClinVar variation 3023532 (VCV003023532.3), dbSNP rs556807466, ClinGen allele CA2740095093.